The following is an entry in ClinVar:

ClinVar aggregate classification (germline): Benign. Review status: reviewed by expert panel (3 of 4 stars). 9 submissions from 9 submitters: Benign (1). 8 of the submissions do not count toward it. Last evaluated 2023-08-10.

Conditions:
CDH1-related diffuse gastric and lobular breast cancer syndrome. Also called: CDH1-related diffuse gastric and lobular breast cancer. Identifiers: MedGen CN311521, MONDO:0100488.
Hereditary cancer-predisposing syndrome. Also called: Neoplastic Syndromes, Hereditary; Hereditary Cancer Syndrome; Hereditary neoplastic syndrome; Tumor predisposition. Identifiers: Orphanet 140162, MedGen C0027672, MeSH D009386, MONDO:0015356.
Hereditary diffuse gastric adenocarcinoma (HDGC). Also called: DIFFUSE GASTRIC AND LOBULAR BREAST CANCER SYNDROME. Identifiers: Orphanet 26106, MedGen C1708349, MONDO:0007648, OMIM 137215.
Malignant tumor of breast. Also called: Malignant breast neoplasm; Cancer breast. Identifiers: MedGen C0006142, MONDO:0007254. Disease mechanism: loss of function.

Allele frequency attached by ClinVar (database versions not stated): gnomAD 0.00001 and 0.00002; TOPMed 0.00003; gnomAD exomes 0.00008; ExAC 0.00012; 1000 Genomes Project 30x 0.00016; 1000 Genomes Project 0.00020.
gnomAD v4.1: 51 of 1,614,200 alleles (0.0032%); highest among the groups gnomAD compares: East Asian, 0.08%; no homozygotes.

Submissions (9):

Clingen Gastric Cancer Variant Curation Expert Panel
Classification: Benign for CDH1-related diffuse gastric and lobular breast cancer syndrome. Last evaluated: 2023-08-10. Review status: reviewed by expert panel. Criteria: ClinGen CDH1 ACMG Specifications V3.1. Collection method: curation. Allele origin: germline. Inheritance: Autosomal dominant inheritance.
Comment: The c.546A>C (p.Lys182Asn) variant has an allele frequency of 0.00104 (>0.1%, 9 out of 8628 alleles) in the East Asian subpopulation of the ExAC cohort (BS1). The variant has also been observed in >10 (56) individuals without a diagnosis of diffuse gastric cancer, signet ring tumor or lobular breast cancer and whose family histories do not suggest HDGC (BS2; SCV000637839.5; SCV000566004.5). Therefore, this variant meets criteria to be classified as benign. ACMG/AMP criteria applied, as specified by the CDH1 Variant Curation Expert Panel (Variant Interpretation Guidelines Version 3.1): BS1, BS2.

Labcorp Genetics (formerly Invitae), Labcorp
Classification: Likely benign for Hereditary diffuse gastric adenocarcinoma. Last evaluated: 2025-12-28. Review status: criteria provided, single submitter. Criteria: Invitae Variant Classification Sherloc (09022015). Collection method: clinical testing. Allele origin: germline. Not counted in ClinVar's aggregate classification.

Color Diagnostics, LLC DBA Color Health
Classification: Benign for Hereditary cancer-predisposing syndrome. Last evaluated: 2024-09-25. Review status: criteria provided, single submitter. Criteria: ACMG Guidelines, 2015. Collection method: clinical testing. Allele origin: germline. Not counted in ClinVar's aggregate classification.

Women's Health and Genetics/Laboratory Corporation of America, LabCorp
Classification: Benign. Last evaluated: 2022-02-03. Review status: criteria provided, single submitter. Criteria: LabCorp Variant Classification Summary - May 2015. Collection method: clinical testing. Allele origin: germline. Not counted in ClinVar's aggregate classification.
Comment: Variant summary: CDH1 c.546A>C (p.Lys182Asn) results in a non-conservative amino acid change in the encoded protein sequence. Four of five in-silico tools predict a benign effect of the variant on protein function. The variant allele was found at a frequency of 8e-05 in 251196 control chromosomes, predominantly at a frequency of 0.00082 within the East Asian subpopulation in the gnomAD database. The observed variant frequency within East Asian control individuals in the gnomAD database is approximately 39 fold of the estimated maximal expected allele frequency for a pathogenic variant in CDH1 causing Breast Cancer phenotype (2.1e-05), strongly suggesting that the variant is a benign polymorphism found primarily in populations of East Asian origin. To our knowledge, no occurrence of c.546A>C in individuals affected with Breast Cancer and no experimental evidence demonstrating its impact on protein function have been reported. Six clinical diagnostic laboratories have submitted clinical-significance assessments for this variant to ClinVar after 2014 without evidence for independent evaluation. Multiple laboratories reported the variant with conflicting assessments (Benign n=2, likely benign n=2, VUS n=2). Based on the evidence outlined above, the variant was classified as benign.

Ambry Genetics
Classification: Benign for Hereditary cancer-predisposing syndrome. Last evaluated: 2021-11-05. Review status: criteria provided, single submitter. Criteria: Ambry Variant Classification Scheme 2023. Collection method: clinical testing. Allele origin: germline. Not counted in ClinVar's aggregate classification.

Sema4
Classification: Uncertain significance for Hereditary cancer-predisposing syndrome. Last evaluated: 2021-08-04. Review status: criteria provided, single submitter. Criteria: Sema4 Curation Guidelines. Collection method: curation. Allele origin: germline. Not counted in ClinVar's aggregate classification.
Comment: The CDH1 c.546A>C (p.K182N) variant has been reported in heterozygosity in at least five individuals with gastric cancer (PMID: 28522256, 32241597, 32426482). This variant was also detected in breast and pancreatic cancer case control studies but there was no significant difference in variant frequency between cases and controls (PMID: 30287823, 33471991, 32980694). This variant was observed in 15/18394 chromosomes in the East Asian population, with no homozygotes, according to the Genome Aggregation Database (PMID: 27535533). The subpopulation frequency of this variant is higher than expected for a pathogenic variant based on disease/syndrome prevalence and penetrance. The variant has been reported in ClinVar (Variation ID: 140853). Functional studies suggest that this variant does not alter protein function (PMID: 28522256). The evidence is insufficient to meet ACMG/AMP criteria for classifying the variant as benign or pathogenic. Thus, the clinical significance of this variant is currently uncertain.

GeneDx
Classification: Likely benign. Last evaluated: 2021-01-19. Review status: criteria provided, single submitter. Criteria: GeneDx Variant Classification Process June 2021. Collection method: clinical testing. Allele origin: germline. Affected: yes. Not counted in ClinVar's aggregate classification.
Comment: Observed in individuals with diffuse gastric cancer (Cho 2017); In silico analysis, which includes protein predictors and evolutionary conservation, supports a deleterious effect; Observed in 0.008% (20/251196 alleles) in large population cohorts (Lek et al., 2016); This variant is associated with the following publications: (PMID: 28522256, 31159747, 32426482, 33309985, 32241597)

GeneKor MSA
Classification: Uncertain significance for Hereditary cancer-predisposing syndrome. Last evaluated: 2018-08-01. Review status: criteria provided, single submitter. Criteria: ACMG Guidelines, 2015. Collection method: clinical testing. Allele origin: germline. Affected: no. Not counted in ClinVar's aggregate classification.

Department of Pathology and Laboratory Medicine, Sinai Health System
Classification: Uncertain significance for Malignant tumor of breast. Review status: no assertion criteria provided. Collection method: clinical testing. Allele origin: unknown. Affected: yes. Study: The Canadian Open Genetics Repository (COGR). Not counted in ClinVar's aggregate classification.
Comment: The CDH1 p.Lys182Asn variant was not reported in the literature as identified in an affected population. The variant was identified in dbSNP (ID: rs201141645 as "With Likely benign, Uncertain significance allele") and ClinVar (3x as uncertain significance by Ambry Genetics, GeneDx, and Invitae). The variant was not identified in Cosmic, MutDB, or Zhejiang University databases. The variant was identified in control databases in 21 of 276982 chromosomes at a frequency of 0.00007 (Genome Aggregation Database Feb 27, 2017). The variant was observed in the following populations: East Asian in 15 of 18866 chromosomes (freq: 0.0008), Other in 1 of 6466 chromosomes (freq: 0.0002), European in 1 of 126514 chromosomes (freq: 0.000008), and South Asian in 4 of 30780 chromosomes (freq: 0.0001), while the variant was not observed in the African, Latino, Ashkenazi Jewish, or Finnish populations. One aggregation assay showed that the Lys182Asn variant behaved similarly to the wildtype protein in CHO cells (Cho 2017). The p.Lys182 residue is not conserved in mammals and computational analyses (PolyPhen-2, SIFT, AlignGVGD, BLOSUM, MutationTaster) do not suggest a high likelihood of impact to the protein; however, this information is not predictive enough to rule out pathogenicity. The variant occurs outside of the splicing consensus sequence and only 1 of 5 in silico or computational prediction software programs (SpliceSiteFinder, MaxEntScan, NNSPLICE, GeneSplicer, HumanSpliceFinder) predict a greater than 10% difference in splicing; this is not very predictive of pathogenicity. In summary, based on the above information the clinical significance of this variant cannot be determined with certainty at this time. This variant is classified as a variant of uncertain significance.

Literature cited by the submitters: PubMed 28522256 (cited by Ambry Genetics and Sema4); PubMed 30287823 (cited by Ambry Genetics and Sema4); PubMed 30982232 (cited by Ambry Genetics); PubMed 31159747 (cited by Ambry Genetics); PubMed 32241597 (cited by Ambry Genetics and Sema4); PubMed 33309985 (cited by Ambry Genetics); PubMed 32426482 (cited by Sema4); PubMed 33471991 (cited by Sema4); PubMed 32980694 (cited by Sema4).

NM_004360.5(CDH1):c.546A>C (p.Lys182Asn)

Gene: CDH1 (cadherin 1; plus strand). Cytogenetic location: 16q22.1.
Variant type: single nucleotide variant.
Coding change: c.546A>C on transcript NM_004360.5 (MANE Select); coding-DNA position 546, A replaced by C.
Protein change: p.Lys182Asn; replaces lysine 182 with asparagine.
Molecular consequence: missense variant. On other transcripts: 5 prime UTR variant (2).
Genome position (GRCh38, 1-based): chr16:68,808,707, A>C. VCF-style: chr16-68808707-A-C. GRCh37 (hg19) VCF-style: chr16-68842610-A-C.
Other names: NM_004360.5(CDH1):c.546A>C; p.Lys182Asn; c.546A>C (LRG_301t1); c.546A>C, p.Lys182Asn (NM_001317184.2); c.-1070A>C (NM_001317185.2); c.-1274A>C (NM_001317186.2); short protein forms K182N.
Identifiers: ClinVar variation 140853 (VCV000140853.28), dbSNP rs201141645, ClinGen allele CA163740.